The following is an entry in ClinVar:

NM_032578.4(MYPN):c.3335C>T (p.Pro1112Leu)

Gene: MYPN (myopalladin; plus strand). Cytogenetic location: 10q21.3.
Variant type: single nucleotide variant.
Coding change: c.3335C>T on transcript NM_032578.4 (MANE Select); coding-DNA position 3335, C replaced by T.
Protein change: p.Pro1112Leu; replaces proline 1112 with leucine.
Molecular consequence: missense variant. On other transcripts: non-coding transcript variant (2).
Genome position (GRCh38, 1-based): chr10:68,199,417, C>T. VCF-style: chr10-68199417-C-T. GRCh37 (hg19) VCF-style: chr10-69959174-C-T.
Other names: p.P1112L:CCT>CTT; c.3335C>T (LRG_410t1); c.3335C>T, p.Pro1112Leu (NM_001256267.2); c.2453C>T, p.Pro818Leu (NM_001256268.2); short protein forms P1112L, P818L.
Identifiers: ClinVar variation 31791 (VCV000031791.84), dbSNP rs71534278, ClinGen allele CA143763.

ClinVar aggregate classification (germline): Conflicting classifications of pathogenicity. Review status: criteria provided, conflicting classifications (1 of 4 stars). 24 submissions from 23 submitters: Uncertain significance (1); Benign (5); Likely benign (8). 10 of the submissions do not count toward it. Last evaluated 2026-08-01.

Conditions:
Hypertrophic cardiomyopathy. Also called: HYPERTROPHIC MYOCARDIOPATHY. Identifiers: Orphanet 217569, MedGen C0007194, MeSH D002312, MONDO:0005045, HP:0001639.
Cardiomyopathy (CMYO). Also called: Cardiomyopathies. Identifiers: Orphanet 167848, MedGen C0878544, MONDO:0004994, HP:0001638. Inheritance: Various modes of inheritance.
Cardiovascular phenotype. Identifiers: MedGen CN230736.
Dilated cardiomyopathy 1KK (CMD1KK). Identifiers: Orphanet 154, Orphanet 75249, MedGen C3714995, MONDO:0014100, OMIM 615248.
Familial hypertrophic cardiomyopathy 22 (CMH22). Also called: Cardiomyopathy, hypertrophic, 22. Identifiers: MedGen C3714998.
Primary dilated cardiomyopathy (DCM). Also called: Dilated Cardiomyopathy. Identifiers: Orphanet 217604, MedGen C0007193, MeSH D002311, MONDO:0005021, HP:0001644. Inheritance: Various modes of inheritance.

Allele frequency attached by ClinVar (database versions not stated): gnomAD exomes 0.00318; 1000 Genomes Project 0.00260; ExAC 0.00303; ESP Exome Variant Server 0.00208; TOPMed 0.00213; 1000 Genomes Project 30x 0.00297.
gnomAD v4.1: 3,888 of 1,614,168 alleles (0.24%); highest among the groups gnomAD compares: Middle Eastern, 2.5%; 17 homozygotes.

Submissions (24):

CeGaT Center for Human Genetics Tuebingen
Classification: Likely benign. Last evaluated: 2026-08-01. Review status: criteria provided, single submitter. Criteria: CeGaT Center For Human Genetics Tuebingen Variant Classification Criteria Version 2. Collection method: clinical testing. Allele origin: germline. Affected: yes. Observed: 15 variant alleles.
Comment: MYPN: BS2

Labcorp Genetics (formerly Invitae), Labcorp
Classification: Benign for Dilated cardiomyopathy 1KK. Last evaluated: 2026-02-01. Review status: criteria provided, single submitter. Criteria: Invitae Variant Classification Sherloc (09022015). Collection method: clinical testing. Allele origin: germline.

Mayo Clinic Laboratories, Mayo Clinic
Classification: Likely benign. Last evaluated: 2025-07-31. Review status: criteria provided, single submitter. Criteria: ACMG Guidelines, 2015. Collection method: clinical testing. Allele origin: germline. Observed: 13 variant alleles.
Comment: BS1, BS4, BP5

Blueprint Genetics
Classification: Likely benign. Last evaluated: 2024-11-21. Review status: criteria provided, single submitter. Criteria: ACMG Guidelines, 2015. Collection method: clinical testing. Allele origin: germline.

Mendelics
Classification: Benign for Dilated cardiomyopathy 1KK. Last evaluated: 2023-08-22. Review status: criteria provided, single submitter. Criteria: Mendelics Assertion Criteria 2019. Collection method: clinical testing. Allele origin: germline.

Women's Health and Genetics/Laboratory Corporation of America, LabCorp
Classification: Likely benign. Last evaluated: 2023-08-19. Review status: criteria provided, single submitter. Criteria: LabCorp Variant Classification Summary - May 2015. Collection method: clinical testing. Allele origin: germline.

ARUP Laboratories, Molecular Genetics and Genomics, ARUP Laboratories
Classification: Likely benign. Last evaluated: 2019-12-23. Review status: criteria provided, single submitter. Criteria: ARUP Molecular Germline Variant Investigation Process. Collection method: clinical testing. Allele origin: germline.

Center for Advanced Laboratory Medicine, UC San Diego Health, University of California San Diego
Classification: Benign for Cardiomyopathy; Hypertrophic cardiomyopathy. Last evaluated: 2018-05-23. Review status: criteria provided, single submitter. Criteria: ACMG Guidelines, 2015. Collection method: clinical testing. Allele origin: germline. Affected: yes. Observed: 3 variant alleles.

Ambry Genetics
Classification: Benign for Cardiovascular phenotype. Last evaluated: 2017-09-14. Review status: criteria provided, single submitter. Criteria: Ambry Variant Classification Scheme 2023. Collection method: clinical testing. Allele origin: germline.

GeneDx
Classification: Benign. Last evaluated: 2017-04-17. Review status: criteria provided, single submitter. Criteria: GeneDx Variant Classification (06012015). Collection method: clinical testing. Allele origin: germline. Affected: yes.
Comment: This variant is considered likely benign or benign based on one or more of the following criteria: it is a conservative change, it occurs at a poorly conserved position in the protein, it is predicted to be benign by multiple in silico algorithms, and/or has population frequency not consistent with disease.

Molecular Diagnostic Laboratory for Inherited Cardiovascular Disease, Montreal Heart Institute
Classification: Uncertain significance. Last evaluated: 2016-06-22. Review status: criteria provided, single submitter. Criteria: ACMG Guidelines, 2015. Collection method: clinical testing. Allele origin: germline. Affected: yes.

Eurofins Ntd Llc (ga)
Classification: Likely benign. Last evaluated: 2015-06-15. Review status: criteria provided, single submitter. Criteria: EGL Classification Definitions 2015. Collection method: clinical testing. Allele origin: germline. Observed: 1 variant allele, 1 heterozygote.

Laboratory for Molecular Medicine, Mass General Brigham Personalized Medicine
Classification: Likely benign. Last evaluated: 2015-06-11. Review status: criteria provided, single submitter. Criteria: LMM Criteria. Collection method: clinical testing. Allele origin: germline. Observed: 6 variant alleles.
Comment: p.Pro1112Leu in exon 18 of MYPN: This variant is not expected to have clinical s ignificance because it has been identified in 0.6% (93/16504) of South Asian chr omosomes by the Exome Aggregation Consortium (ExAC, rg; dbSNP rs71534278).

Biesecker Lab/Clinical Genomics Section, National Institutes of Health
Classification: Likely benign for Cardiomyopathy, dilated. Last evaluated: 2013-06-24. Review status: criteria provided, single submitter. Criteria: Ng et al. (Circ Cardiovasc Genet. 2013). Collection method: research. Allele origin: unknown. Observed: 4 variant alleles. Study: ClinSeq.
Comment: The study set was not selected for affection status in relation to any cancer. Pathogenicity categories were based on literature curation. See Pubmed ID:23861362 for details.

Medical sequencing

ClinVar Staff, National Center for Biotechnology Information (NCBI)
Classification: Likely pathogenic for Dilated cardiomyopathy 1KK. Last evaluated: 2013-06-27. Review status: no assertion criteria provided. Collection method: literature only. Allele origin: germline. Affected: yes. Not counted in ClinVar's aggregate classification.

OMIM
Classification: Pathogenic for CARDIOMYOPATHY, DILATED, 1KK. Last evaluated: 2012-05-01. Review status: no assertion criteria provided. Collection method: literature only. Allele origin: germline. Not counted in ClinVar's aggregate classification.

OMIM
Classification: Pathogenic for CARDIOMYOPATHY, FAMILIAL HYPERTROPHIC, 22. Last evaluated: 2012-05-01. Review status: no assertion criteria provided. Collection method: literature only. Allele origin: germline. Not counted in ClinVar's aggregate classification.

Leiden Muscular Dystrophy (MYPN)
No classification provided. Last evaluated: 2012-04-27. Review status: no classification provided. Collection method: curation. Allele origin: germline. Not counted in ClinVar's aggregate classification.

Clinical Genetics DNA and cytogenetics Diagnostics Lab, Erasmus MC, Erasmus Medical Center
Classification: Likely benign. Review status: no assertion criteria provided. Collection method: clinical testing. Allele origin: germline. Affected: yes. Study: VKGL Data-share Consensus. Not counted in ClinVar's aggregate classification.

Clinical Genetics, Academic Medical Center
Classification: Benign. Review status: no assertion criteria provided. Collection method: clinical testing. Allele origin: germline. Affected: yes. Study: VKGL Data-share Consensus. Not counted in ClinVar's aggregate classification.

Diagnostic Laboratory, Department of Genetics, University Medical Center Groningen
Classification: Likely benign. Review status: no assertion criteria provided. Collection method: clinical testing. Allele origin: germline. Affected: yes. Study: VKGL Data-share Consensus. Not counted in ClinVar's aggregate classification.

Genome Diagnostics Laboratory, University Medical Center Utrecht
Classification: Likely benign. Review status: no assertion criteria provided. Collection method: clinical testing. Allele origin: germline. Affected: yes. Study: VKGL Data-share Consensus. Not counted in ClinVar's aggregate classification.

Joint Genome Diagnostic Labs from Nijmegen and Maastricht, Radboudumc and MUMC+
Classification: Benign. Review status: no assertion criteria provided. Collection method: clinical testing. Allele origin: germline. Affected: yes. Study: VKGL Data-share Consensus. Not counted in ClinVar's aggregate classification.

Zaffran Lab, Genetics of Cardiac Diseases Laboratory, Marseille Medical Genetics
Classification: Uncertain significance for hypertrophic cardiomyopathy. Review status: no assertion criteria provided. Collection method: research. Allele origin: unknown. Affected: yes. Not counted in ClinVar's aggregate classification.

Literature cited by the submitters: PubMed 18006477 (cited by Mayo Clinic Laboratories, Mayo Clinic and OMIM); PubMed 20801532 (cited by Mayo Clinic Laboratories, Mayo Clinic); PubMed 22286171 (cited by 3 submitters); PubMed 27194543 (cited by Mayo Clinic Laboratories, Mayo Clinic); PubMed 33232181 (cited by Mayo Clinic Laboratories, Mayo Clinic); PubMed 27884173 (cited by Ambry Genetics); PubMed 27896284 (cited by Ambry Genetics).